The following is an entry in ClinVar:

ClinVar aggregate classification (germline): Likely pathogenic (1 of 4 stars; one submission).

Conditions:
SLC2A1-related disorder. Also called: SLC2A1-related condition; SLC2A1-related disorders.

Submission:

3billion
Classification: Likely pathogenic for SLC2A1-related disorder. Last evaluated: 2024-12-26. Review status: criteria provided, single submitter. Criteria: ACMG Guidelines, 2015. Collection method: clinical testing. Allele origin: germline. Affected: yes.
Comment: The variant is not observed in the gnomAD v4.1.0 dataset. Predicted Consequence/Location: Stop-gained (nonsense): predicted to result in a loss or disruption of normal protein function through nonsense-mediated decay (NMD) or protein truncation. Multiple pathogenic variants are reported downstream of the variant. Therefore, this variant is classified as Likely pathogenic according to the recommendation of ACMG/AMP guideline.

NM_006516.4(SLC2A1):c.1098T>A (p.Tyr366Ter)

Gene: SLC2A1 (solute carrier family 2 member 1; minus strand). Cytogenetic location: 1p34.2.
Variant type: single nucleotide variant.
Coding change: c.1098T>A on transcript NM_006516.4 (MANE Select); coding-DNA position 1098, T replaced by A.
Protein change: p.Tyr366Ter; replaces tyrosine 366 with a stop codon.
Molecular consequence: nonsense.
Genome position (GRCh38, 1-based): chr1:42,927,785, A>T on the plus strand (T>A on the coding strand, the complement: SLC2A1 is on the minus strand). VCF-style: chr1-42927785-A-T. GRCh37 (hg19) VCF-style: chr1-43393456-A-T.
Other names: short protein forms Y366*.
Identifiers: ClinVar variation 4293909 (VCV004293909.1).